The following is an entry in ClinVar:

NM_014727.3(KMT2B):c.1240C>G (p.Pro414Ala)

Gene: KMT2B (lysine methyltransferase 2B; plus strand). Cytogenetic location: 19q13.12.
Variant type: single nucleotide variant.
Coding change: c.1240C>G on transcript NM_014727.3 (MANE Select); coding-DNA position 1240, C replaced by G.
Protein change: p.Pro414Ala; replaces proline 414 with alanine.
Molecular consequence: missense variant.
Genome position (GRCh38, 1-based): chr19:35,720,587, C>G. VCF-style: chr19-35720587-C-G. GRCh37 (hg19) VCF-style: chr19-36211489-C-G.
Other names: short protein forms P414A.
Identifiers: ClinVar variation 3031814 (VCV003031814.2), dbSNP rs1398096625, ClinGen allele CA405389123.
Genomic context (GRCh38, chr19:35,720,587, plus strand): 5'-GCGGAAAAGGAAGAGGCAAAGCTGCCACCACCGCCTCTGACTCCTCCAGCCCCTTCACCT[C>G]CTCCACCCCTCCCACCCCCTTCGACATCTCCTCCACCCCCACTCTGCCCTCCACCACCAC-3'
Protein context (NP_055542.1, residues 404-424): PPLTPPAPSP[Pro414Ala]PPLPPPSTSP

ClinVar aggregate classification (germline): Uncertain significance (0 of 4 stars; one submission).

Conditions:
KMT2B-related disorder. Also called: KMT2B-related condition; KMT2B-related disorders. Identifiers: MedGen CN381338.

gnomAD v4.1: 1 of 1,517,586 alleles (0.000066%); no homozygotes.

Submission:

PreventionGenetics, part of Exact Sciences
Classification: Uncertain significance for KMT2B-related condition. Last evaluated: 2023-12-26. Review status: no assertion criteria provided. Collection method: clinical testing. Allele origin: germline.
Comment: The KMT2B c.1240C>G variant is predicted to result in the amino acid substitution p.Pro414Ala. To our knowledge, this variant has not been reported in the literature or in a large population database, indicating this variant is rare. At this time, the clinical significance of this variant is uncertain due to the absence of conclusive functional and genetic evidence.